The following is an entry in ClinVar:

ClinVar aggregate classification (germline): Uncertain significance. Review status: criteria provided, single submitter (1 of 4 stars). 2 submissions from 2 submitters: Uncertain significance (1). 1 of the submissions does not count toward it. Last evaluated 2025-04-30.

Conditions:
KRT10-related disorder. Also called: KRT10-related condition.

Submissions (2):

Labcorp Genetics (formerly Invitae), Labcorp
Classification: Uncertain significance. Last evaluated: 2025-04-30. Review status: criteria provided, single submitter. Criteria: Invitae Variant Classification Sherloc (09022015). Collection method: clinical testing. Allele origin: germline.
Comment: This variant, c.1528_1554dup, results in the insertion of 9 amino acid(s) of the KRT10 protein (p.Gly510_Ser518dup), but otherwise preserves the integrity of the reading frame. The frequency data for this variant in the population databases is considered unreliable, as metrics indicate poor data quality at this position in the gnomAD database. This variant has not been reported in the literature in individuals affected with KRT10-related conditions. ClinVar contains an entry for this variant (Variation ID: 2766969). In summary, the available evidence is currently insufficient to determine the role of this variant in disease. Therefore, it has been classified as a Variant of Uncertain Significance.

PreventionGenetics, part of Exact Sciences
Classification: Likely benign for KRT10-related condition. Last evaluated: 2021-05-28. Review status: no assertion criteria provided. Collection method: clinical testing. Allele origin: germline. Not counted in ClinVar's aggregate classification.
Comment: This variant is classified as likely benign based on ACMG/AMP sequence variant interpretation guidelines (Richards et al. 2015 PMID: 25741868, with internal and published modifications).

NM_000421.5(KRT10):c.1528_1554dup (p.Ser518_Ser519insGlyGlyGlyTyrGlyGlyGlySerSer)

Gene: KRT10 (keratin 10; minus strand). Cytogenetic location: 17q21.2.
Variant type: Duplication.
Coding change: c.1528_1554dup on transcript NM_000421.5 (MANE Select); coding-DNA positions 1528 to 1554, 27 bases duplicated (GGCGGCGGCTACGGGGGCGGAAGCTCC).
Protein change: p.Ser518_Ser519insGlyGlyGlyTyrGlyGlyGlySerSer.
Molecular consequence: inframe insertion.
Genome position (GRCh38, 1-based): chr17:40,818,981-40,819,007, GGAGCTTCCGCCCCCGTAGCCGCCGCC duplicated on the plus strand (GGCGGCGGCTACGGGGGCGGAAGCTCC on the coding strand, the reverse complement: KRT10 is on the minus strand); duplicating any 27 consecutive bases within chr17:40,818,981-40,819,019 gives the same sequence; the c. name uses the placement nearest the transcript's 3' end. VCF-style (leftmost placement, unchanged base first): chr17-40818980-T-TGGAGCTTCCGCCCCCGTAGCCGCCGCC. GRCh37 (hg19) VCF-style: chr17-38975232-T-TGGAGCTTCCGCCCCCGTAGCCGCCGCC.
Other names: c.1528_1554dup27 (NM_000421.3); c.1528_1554dup, p.Ser518_Ser519insGlyGlyGlyTyrGlyGlyGlySerSer (NM_001379366.1).
Identifiers: ClinVar variation 2766969 (VCV002766969.5), dbSNP rs756915372, ClinGen allele CA8547971.